The following is an entry in ClinVar:

NM_000268.4(NF2):c.517-1G>A

Gene: NF2 (NF2, moesin-ezrin-radixin like (MERLIN) tumor suppressor; plus strand). Cytogenetic location: 22q12.2.
Variant type: single nucleotide variant.
Coding change: c.517-1G>A on transcript NM_000268.4 (MANE Select); the canonical splice acceptor site of the intron before coding-DNA position 517, G replaced by A.
Molecular consequence: splice acceptor variant. On other transcripts: intron variant (1).
Genome position (GRCh38, 1-based): chr22:29,655,593, G>A. VCF-style: chr22-29655593-G-A. GRCh37 (hg19) VCF-style: chr22-30051582-G-A.
Other names: c.517-1G>A (NM_016418.5, NM_181832.3, NM_001407060.1 and 4 more transcripts); c.403-1G>A (NM_001407056.1, NM_001407053.1); c.286-1G>A (NM_001407067.1); c.-18-1G>A (NM_001407065.1); c.447+13308G>A (NM_181833.3); c.394-1G>A (NM_001407058.1, NM_181829.3, NM_001407054.1 and 1 more transcripts); c.391-1G>A (NM_181828.3, NM_001407055.1); c.268-1G>A (NM_001407063.1, NM_181830.3, NM_001407064.1 and 1 more transcripts).
Identifiers: ClinVar variation 423789 (VCV000423789.19), dbSNP rs1064796632, ClinGen allele CA16621094.

ClinVar aggregate classification (germline): Pathogenic. Review status: criteria provided, multiple submitters, no conflicts (2 of 4 stars). 6 submissions from 6 submitters: Pathogenic (6). Last evaluated 2024-07-02.
ClinVar aggregate classification (oncogenicity): Likely oncogenic (1 of 4 stars; one submission).

Conditions:
Hereditary cancer-predisposing syndrome. Also called: Tumor predisposition; Hereditary Cancer Syndrome; Hereditary neoplastic syndrome; Neoplastic Syndromes, Hereditary. Identifiers: Orphanet 140162, MedGen C0027672, MeSH D009386, MONDO:0015356.
Neurofibromatosis, type 2 (SWNV). Also called: SCHWANNOMATOSIS, VESTIBULAR; NF2-Related Schwannomatosis; BILATERAL ACOUSTIC NEUROFIBROMATOSIS. Identifiers: Orphanet 637, MedGen C0027832, MONDO:0007039, OMIM 101000. Disease mechanism: loss of function.
Neoplasm. Also called: tumor; Neoplasms; Neoplasm (disease). Identifiers: MedGen C0027651, MeSH D009369, MONDO:0005070, HP:0002664.

Submissions (7):

Center for Genomic Medicine, Rigshospitalet, Copenhagen University Hospital
Classification: Likely oncogenic for Neoplasm. Last evaluated: 2025-03-04. Review status: criteria provided, single submitter. Criteria: ClinGen/CGC/VICC Guidelines for Oncogenicity, 2022. Collection method: clinical testing. Allele origin: somatic. Affected: yes.

Ambry Genetics
Classification: Pathogenic for Hereditary cancer-predisposing syndrome. Last evaluated: 2024-07-02. Review status: criteria provided, single submitter. Criteria: Ambry Variant Classification Scheme 2023. Collection method: clinical testing. Allele origin: germline.
Comment: The c.517-1G>A intronic pathogenic mutation results from a G to A substitution one nucleotide upstream from coding exon 6 of the NF2 gene. This variant was reported in multiple individuals with features consistent with Neurofibromatosis type 2 (external communication, Ambry internal data). This variant is considered to be rare based on population cohorts in the Genome Aggregation Database (gnomAD). This nucleotide position is highly conserved in available vertebrate species. In silico splice site analysis predicts that this alteration will weaken the native splice acceptor site and may result in the creation or strengthening of a novel splice acceptor site. Alterations that disrupt the canonical splice site are expected to cause aberrant splicing, resulting in an abnormal protein or a transcript that is subject to nonsense-mediated mRNA decay. As such, this alteration is classified as a disease-causing mutation.

Genetics and Molecular Pathology, SA Pathology
Classification: Pathogenic for Neurofibromatosis, type 2. Last evaluated: 2022-07-08. Review status: criteria provided, single submitter. Criteria: ACMG Guidelines, 2015. Collection method: clinical testing. Allele origin: germline. Inheritance: Somatic mutation. Affected: yes.

Genome-Nilou Lab
Classification: Pathogenic for Neurofibromatosis, type 2. Last evaluated: 2021-11-07. Review status: criteria provided, single submitter. Criteria: ACMG Guidelines, 2015. Collection method: clinical testing. Allele origin: germline. Affected: no.

Baylor Genetics
Classification: Pathogenic for Neurofibromatosis, type 2. Last evaluated: 2020-06-18. Review status: criteria provided, single submitter. Criteria: ACMG Guidelines, 2015. Collection method: clinical testing. Allele origin: maternal. Affected: yes. Study: CSER-TexasKidsCanSeq.
Comment: This variant was determined to be pathogenic according to ACMG Guidelines, 2015 [PMID:25741868].

Labcorp Genetics (formerly Invitae), Labcorp
Classification: Pathogenic for Neurofibromatosis, type 2. Last evaluated: 2019-10-15. Review status: criteria provided, single submitter. Criteria: Invitae Variant Classification Sherloc (09022015). Collection method: clinical testing. Allele origin: germline.
Comment: For these reasons, this variant has been classified as Pathogenic. Donor and acceptor splice site variants typically lead to a loss of protein function (PMID: 16199547), and loss-of-function variants in NF2 are known to be pathogenic (PMID: 9643284, 16983642). This variant has been observed to segregate with neurofibromatosis type 2 in a family (Invitae). ClinVar contains an entry for this variant (Variation ID: 423789). This variant is not present in population databases (ExAC no frequency). This sequence change affects an acceptor splice site in intron 5 of the NF2 gene. It is expected to disrupt RNA splicing and likely results in an absent or disrupted protein product.

GeneDx
Classification: Pathogenic. Last evaluated: 2017-02-21. Review status: criteria provided, single submitter. Criteria: GeneDx Variant Classification (06012015). Collection method: clinical testing. Allele origin: germline. Affected: yes.
Comment: The c.517-1 G>A splice site variant in the NF2 gene has been previously observed in meningiomas and schwannomas (Goutagny et al., 2010; Piotrowski et al., 2014). This pathogenic variant destroys the canonical splice acceptor site in intron 5, and is expected to cause abnormal gene splicing. The variant is not observed in large population cohorts (Lek et al., 2016; 1000 Genomes Consortium et al., 2015; Exome Variant Server). In summary, we consider this variant to be pathogenic.

Literature cited by the submitters: PubMed 16199547 (cited by Labcorp Genetics (formerly Invitae), Labcorp); PubMed 9643284 (cited by Labcorp Genetics (formerly Invitae), Labcorp); PubMed 16983642 (cited by Labcorp Genetics (formerly Invitae), Labcorp).